The following is an entry in ClinVar:

ClinVar aggregate classification (germline): Conflicting classifications of pathogenicity. Review status: criteria provided, conflicting classifications (1 of 4 stars). 5 submissions from 5 submitters: Uncertain significance (4); Likely benign (1). Last evaluated 2025-12-23.

Conditions:
Ehlers-Danlos syndrome, type 4 (EDSVASC). Also called: Ehlers-Danlos Syndrome Type IV; Ehlers-Danlos syndrome vascular type; Ehlers Danlos syndrome, ecchymotic type; Ehlers Danlos syndrome, arterial type; Ehlers Danlos syndrome, Sack-Barabas type. Identifiers: Orphanet 286, MedGen C0268338, MONDO:0017314, OMIM 130050.
COL3A1-related disorder. Also called: COL3A1-related condition.
Familial thoracic aortic aneurysm and aortic dissection (TAAD). Also called: Thoracic aortic aneurysms and dissections. Identifiers: Orphanet 91387, MedGen C4707243, MONDO:0019625.

Allele frequency attached by ClinVar (database versions not stated): gnomAD exomes 0.00001; gnomAD 0.00002; ExAC 0.00003; TOPMed 0.00003; ESP Exome Variant Server 0.00023.
gnomAD v4.1: 24 of 1,610,954 alleles (0.0015%); highest among the groups gnomAD compares: East Asian, 0.0067%; no homozygotes.

Submissions (5):

PreventionGenetics, part of Exact Sciences
Classification: Uncertain significance for COL3A1-related condition. Last evaluated: 2025-12-23. Review status: criteria provided, single submitter. Criteria: ACMG Guidelines, 2015. Collection method: clinical testing. Allele origin: germline.
Comment: The COL3A1 c.874G>A variant is predicted to result in the amino acid substitution p.Glu292Lys. To our knowledge, this variant has not been reported in the literature. This variant is reported in 0.0065% of alleles in individuals of South Asian descent in gnomAD. At this time, the clinical significance of this variant is uncertain due to the absence of conclusive functional and genetic evidence.

Labcorp Genetics (formerly Invitae), Labcorp
Classification: Uncertain significance for Ehlers-Danlos syndrome, type 4. Last evaluated: 2025-10-21. Review status: criteria provided, single submitter. Criteria: Invitae Variant Classification Sherloc (09022015). Collection method: clinical testing. Allele origin: germline.
Comment: This sequence change replaces glutamic acid, which is acidic and polar, with lysine, which is basic and polar, at codon 292 of the COL3A1 protein (p.Glu292Lys). This variant is present in population databases (rs138818489, gnomAD 0.006%). This variant has not been reported in the literature in individuals affected with COL3A1-related conditions. ClinVar contains an entry for this variant (Variation ID: 922911). Invitae Evidence Modeling of protein sequence and biophysical properties (such as structural, functional, and spatial information, amino acid conservation, physicochemical variation, residue mobility, and thermodynamic stability) indicates that this missense variant is not expected to disrupt COL3A1 protein function with a negative predictive value of 95%. In summary, the available evidence is currently insufficient to determine the role of this variant in disease. Therefore, it has been classified as a Variant of Uncertain Significance.

Ambry Genetics
Classification: Likely benign for Familial thoracic aortic aneurysm and aortic dissection. Last evaluated: 2025-06-23. Review status: criteria provided, single submitter. Criteria: Ambry Variant Classification Scheme 2023. Collection method: clinical testing. Allele origin: germline.

All of Us Research Program, National Institutes of Health
Classification: Uncertain significance for Ehlers-Danlos syndrome, type 4. Last evaluated: 2024-07-29. Review status: criteria provided, single submitter. Criteria: ACMG Guidelines, 2015. Collection method: clinical testing. Allele origin: germline. Inheritance: Autosomal dominant inheritance. Observed: 9 variant alleles, 9 heterozygotes.
Comment: This missense variant replaces glutamic acid with lysine at codon 292 of the COL3A1 protein. Computational prediction suggests that this variant may not impact protein structure and function (internally defined REVEL score threshold <= 0.5, PMID: 27666373). To our knowledge, functional studies have not been reported for this variant. This variant has not been reported in individuals affected with COL3A1-related disorders in the literature. This variant has been identified in 8/282234 chromosomes in the general population by the Genome Aggregation Database (gnomAD). The available evidence is insufficient to determine the role of this variant in disease conclusively. Therefore, this variant is classified as a Variant of Uncertain Significance.

This study involves interpretation of variants in research participants for the purpose of population health screening. Participant phenotype was not available at the time of variant classification. Additional details can be found in publication PMID: 35346344, PMCID: PMC8962531

Color Diagnostics, LLC DBA Color Health
Classification: Uncertain significance for Familial thoracic aortic aneurysm and aortic dissection. Last evaluated: 2024-03-06. Review status: criteria provided, single submitter. Criteria: ACMG Guidelines, 2015. Collection method: clinical testing. Allele origin: germline.
Comment: This missense variant replaces glutamic acid with lysine at codon 292 of the COL3A1 protein. Computational prediction suggests that this variant may not impact protein structure and function (internally defined REVEL score threshold <= 0.5, PMID: 27666373). To our knowledge, functional studies have not been reported for this variant. This variant has not been reported in individuals affected with COL3A1-related disorders in the literature. This variant has been identified in 8/282234 chromosomes in the general population by the Genome Aggregation Database (gnomAD). The available evidence is insufficient to determine the role of this variant in disease conclusively. Therefore, this variant is classified as a Variant of Uncertain Significance.

NM_000090.4(COL3A1):c.874G>A (p.Glu292Lys)

Gene: COL3A1 (collagen type III alpha 1 chain; plus strand). Cytogenetic location: 2q32.2.
Variant type: single nucleotide variant.
Coding change: c.874G>A on transcript NM_000090.4 (MANE Select); coding-DNA position 874, G replaced by A.
Protein change: p.Glu292Lys; replaces glutamic acid 292 with lysine.
Molecular consequence: missense variant.
Genome position (GRCh38, 1-based): chr2:188,991,508, G>A. VCF-style: chr2-188991508-G-A. GRCh37 (hg19) VCF-style: chr2-189856234-G-A.
Other names: short protein forms E292K.
Identifiers: ClinVar variation 922911 (VCV000922911.18), dbSNP rs138818489, ClinGen allele CA077019.